The following is an entry in ClinVar:

NM_182641.4(BPTF):c.3503A>G (p.Asp1168Gly)

Gene: BPTF (bromodomain PHD finger transcription factor; plus strand). Cytogenetic location: 17q24.2.
Variant type: single nucleotide variant.
Coding change: c.3503A>G on transcript NM_182641.4 (MANE Select); coding-DNA position 3503, A replaced by G.
Protein change: p.Asp1168Gly; replaces aspartic acid 1168 with glycine.
Molecular consequence: missense variant.
Genome position (GRCh38, 1-based): chr17:67,911,387, A>G. VCF-style: chr17-67911387-A-G. GRCh37 (hg19) VCF-style: chr17-65907503-A-G.
Other names: c.3881A>G, p.Asp1294Gly (NM_004459.7); short protein forms D1168G, D1294G.
Identifiers: ClinVar variation 778746 (VCV000778746.28), dbSNP rs112921129, ClinGen allele CA8725646.

ClinVar aggregate classification (germline): Benign/Likely benign. Review status: criteria provided, multiple submitters, no conflicts (2 of 4 stars). 4 submissions from 4 submitters: Benign (3); Likely benign (1). Last evaluated 2026-01-27.

Allele frequency attached by ClinVar (database versions not stated): gnomAD exomes 0.00046 and 0.00120; ExAC 0.00161; gnomAD 0.00415 and 0.00443; TOPMed 0.00470; ESP Exome Variant Server 0.00477; 1000 Genomes Project 30x 0.00484; 1000 Genomes Project 0.00519.
gnomAD v4.1: 1,402 of 1,614,162 alleles (0.087%); highest among the groups gnomAD compares: African/African-American, 1.5%; 9 homozygotes.

Submissions (5):

Labcorp Genetics (formerly Invitae), Labcorp
Classification: Benign. Last evaluated: 2026-01-27. Review status: criteria provided, single submitter. Criteria: Invitae Variant Classification Sherloc (09022015). Collection method: clinical testing. Allele origin: germline.

Blueprint Genetics
Classification: Likely benign. Last evaluated: 2024-11-01. Review status: criteria provided, single submitter. Criteria: ACMG Guidelines, 2015. Collection method: clinical testing. Allele origin: germline.

CeGaT Center for Human Genetics Tuebingen
Classification: Benign. Last evaluated: 2024-07-01. Review status: criteria provided, single submitter. Criteria: CeGaT Center For Human Genetics Tuebingen Variant Classification Criteria Version 2. Collection method: clinical testing. Allele origin: germline. Affected: yes. Observed: 1 variant allele.
Comment: BPTF: BP4, BS1, BS2

Breakthrough Genomics
Classification: Benign. Review status: criteria provided, single submitter. Criteria: ACMG Guidelines, 2015. Collection method: not provided. Allele origin: germline. Inheritance: Autosomal dominant inheritance. Affected: yes.

Dr. Peter K. Rogan Lab, Western University
No classification provided (evidence only). Condition: Clear cell carcinoma of kidney. Review status: no classification provided. Collection method: in vitro. Allele origin: not applicable. Functional consequence: retained intron. Not counted in ClinVar's aggregate classification.